The following is an entry in ClinVar:

ClinVar aggregate classification (germline): Uncertain significance. Review status: criteria provided, multiple submitters, no conflicts (2 of 4 stars). 3 submissions from 3 submitters: Uncertain significance (3). Last evaluated 2026-01-26.

Conditions:
Cardiovascular phenotype. Identifiers: MedGen CN230736.
Brugada syndrome 8 (BRGDA8). Identifiers: Orphanet 130, MedGen C2751083, MONDO:0013148, OMIM 613123.

Allele frequency attached by ClinVar (database versions not stated): gnomAD exomes 0.00001 and 0.00002; TOPMed 0.00001; ExAC 0.00003; ESP Exome Variant Server 0.00008.
gnomAD v4.1: 21 of 1,601,784 alleles (0.0013%); highest among the groups gnomAD compares: Admixed American, 0.0017%; no homozygotes.

Submissions (3):

Labcorp Genetics (formerly Invitae), Labcorp
Classification: Uncertain significance for Brugada syndrome 8. Last evaluated: 2026-01-26. Review status: criteria provided, single submitter. Criteria: Invitae Variant Classification Sherloc (09022015). Collection method: clinical testing. Allele origin: germline.
Comment: This sequence change replaces proline, which is neutral and non-polar, with leucine, which is neutral and non-polar, at codon 1194 of the HCN4 protein (p.Pro1194Leu). The frequency data for this variant in the population databases is considered unreliable, as metrics indicate poor data quality at this position in the gnomAD database. This variant has not been reported in the literature in individuals affected with HCN4-related conditions. ClinVar contains an entry for this variant (Variation ID: 1343014). Invitae Evidence Modeling of protein sequence and biophysical properties (such as structural, functional, and spatial information, amino acid conservation, physicochemical variation, residue mobility, and thermodynamic stability) has been performed for this missense variant. However, the output from this modeling did not meet the statistical confidence thresholds required to predict the impact of this variant on HCN4 protein function. In summary, the available evidence is currently insufficient to determine the role of this variant in disease. Therefore, it has been classified as a Variant of Uncertain Significance.

GeneDx
Classification: Uncertain significance. Last evaluated: 2024-11-27. Review status: criteria provided, single submitter. Criteria: GeneDx Variant Classification Process June 2021. Collection method: clinical testing. Allele origin: germline. Affected: yes.
Comment: Not observed at significant frequency in large population cohorts (gnomAD); In silico analysis indicates that this missense variant does not alter protein structure/function; Has not been previously published as pathogenic or benign to our knowledge

Ambry Genetics
Classification: Uncertain significance for Cardiovascular phenotype. Last evaluated: 2021-06-14. Review status: criteria provided, single submitter. Criteria: Ambry Variant Classification Scheme 2023. Collection method: clinical testing. Allele origin: germline.
Comment: The p.P1194L variant (also known as c.3581C>T), located in coding exon 8 of the HCN4 gene, results from a C to T substitution at nucleotide position 3581. The proline at codon 1194 is replaced by leucine, an amino acid with similar properties. This amino acid position is conserved. In addition, the in silico prediction for this alteration is inconclusive. Since supporting evidence is limited at this time, the clinical significance of this alteration remains unclear.

NM_005477.3(HCN4):c.3581C>T (p.Pro1194Leu)

Gene: HCN4 (hyperpolarization activated cyclic nucleotide gated potassium channel 4; minus strand). Cytogenetic location: 15q24.1.
Variant type: single nucleotide variant.
Coding change: c.3581C>T on transcript NM_005477.3 (MANE Select); coding-DNA position 3581, C replaced by T.
Protein change: p.Pro1194Leu; replaces proline 1194 with leucine.
Molecular consequence: missense variant.
Genome position (GRCh38, 1-based): chr15:73,322,512, G>A on the plus strand (C>T on the coding strand, the complement: HCN4 is on the minus strand). VCF-style: chr15-73322512-G-A. GRCh37 (hg19) VCF-style: chr15-73614853-G-A.
Other names: short protein forms P1194L.
Identifiers: ClinVar variation 1343014 (VCV001343014.12), dbSNP rs147982868, ClinGen allele CA7648800.
Genomic context (GRCh38, chr15:73,322,512, plus strand): 5'-AAGAAAGAAGAGGGAAGGAAGGGCCCAGCTCATAGATTGGATGGCAGTTTGGAGCGCACT[G>A]GCTCAGGCCTGGCCCCAGGTTCCCTCTGGGGTCCAGCAGTCAGAGGGGGCCCCCCAGAAG-3'
Protein context (NP_005468.1, residues 1184-1203): PQREPGARPE[Pro1194Leu]VRSKLPSNL